The following is an entry in ClinVar:

ClinVar aggregate classification (germline): Uncertain significance (1 of 4 stars; one submission).

Conditions:
Congenital contractural arachnodactyly (CCA). Also called: BEALS SYNDROME; Arthrogryposis, distal, type 9; Beals-Hecht syndrome. Identifiers: Orphanet 115, MedGen C0220668, MONDO:0007363, OMIM 121050.

gnomAD v4.1: 1 of 1,612,698 alleles (0.000062%); highest among the groups gnomAD compares: Non-Finnish European, 0.000085%; no homozygotes.

Submission:

Labcorp Genetics (formerly Invitae), Labcorp
Classification: Uncertain significance for Congenital contractural arachnodactyly. Last evaluated: 2023-04-28. Review status: criteria provided, single submitter. Criteria: Invitae Variant Classification Sherloc (09022015). Collection method: clinical testing. Allele origin: germline.
Comment: Advanced modeling of protein sequence and biophysical properties (such as structural, functional, and spatial information, amino acid conservation, physicochemical variation, residue mobility, and thermodynamic stability) has been performed at Invitae for this missense variant, however the output from this modeling did not meet the statistical confidence thresholds required to predict the impact of this variant on FBN2 protein function. This variant has not been reported in the literature in individuals affected with FBN2-related conditions. This variant is not present in population databases (gnomAD no frequency). This sequence change replaces arginine, which is basic and polar, with isoleucine, which is neutral and non-polar, at codon 1640 of the FBN2 protein (p.Arg1640Ile). In summary, the available evidence is currently insufficient to determine the role of this variant in disease. Therefore, it has been classified as a Variant of Uncertain Significance.

NM_001999.4(FBN2):c.4919G>T (p.Arg1640Ile)

Gene: FBN2 (fibrillin 2; minus strand). Cytogenetic location: 5q23.3.
Variant type: single nucleotide variant.
Coding change: c.4919G>T on transcript NM_001999.4 (MANE Select); coding-DNA position 4919, G replaced by T.
Protein change: p.Arg1640Ile; replaces arginine 1640 with isoleucine.
Molecular consequence: missense variant.
Genome position (GRCh38, 1-based): chr5:128,311,914, C>A on the plus strand (G>T on the coding strand, the complement: FBN2 is on the minus strand). VCF-style: chr5-128311914-C-A. GRCh37 (hg19) VCF-style: chr5-127647606-C-A.
Other names: short protein forms R1640I.
Identifiers: ClinVar variation 2860048 (VCV002860048.3), dbSNP rs777076610, ClinGen allele CA360746374.